The following is an entry in ClinVar:

NM_031220.4(PITPNM3):c.2177T>C (p.Met726Thr)

Gene: PITPNM3 (PITPNM family member 3; minus strand). Cytogenetic location: 17p13.2.
Variant type: single nucleotide variant.
Coding change: c.2177T>C on transcript NM_031220.4 (MANE Select); coding-DNA position 2177, T replaced by C.
Protein change: p.Met726Thr; replaces methionine 726 with threonine.
Molecular consequence: missense variant.
Genome position (GRCh38, 1-based): chr17:6,463,861, A>G on the plus strand (T>C on the coding strand, the complement: PITPNM3 is on the minus strand). VCF-style: chr17-6463861-A-G. GRCh37 (hg19) VCF-style: chr17-6367181-A-G.
Other names: c.2069T>C, p.Met690Thr (NM_001165966.2); short protein forms M726T, M690T.
Identifiers: ClinVar variation 2868515 (VCV002868515.3), dbSNP rs761710050, ClinGen allele CA8329248.
Genomic context (GRCh38, chr17:6,463,861, plus strand): 5'-GACCCATCAATGCTGAACACTACACACTCCATGCCCCTGGGCAACACCGTGAGGTAGCTC[A>G]TGGCACAGGTCTGGTCGCCCCTGAAAGAAACCTGCCTGTGGTCAGCCGTGAGGTCAGGGT-3'
Protein context (NP_112497.2, residues 716-736): MVVRGDQTCA[Met726Thr]SYLTVLPRGM

ClinVar aggregate classification (germline): Uncertain significance (1 of 4 stars; one submission).

Allele frequency attached by ClinVar (database versions not stated): TOPMed below 0.00001; gnomAD 0.00001; gnomAD exomes 0.00001; ExAC 0.00003.
gnomAD v4.1: 18 of 1,609,750 alleles (0.0011%); highest among the groups gnomAD compares: South Asian, 0.019%; no homozygotes.

Submission:

Labcorp Genetics (formerly Invitae), Labcorp
Classification: Uncertain significance. Last evaluated: 2024-12-03. Review status: criteria provided, single submitter. Criteria: Invitae Variant Classification Sherloc (09022015). Collection method: clinical testing. Allele origin: germline.
Comment: This sequence change replaces methionine, which is neutral and non-polar, with threonine, which is neutral and polar, at codon 726 of the PITPNM3 protein (p.Met726Thr). This variant is present in population databases (rs761710050, gnomAD 0.01%). This variant has not been reported in the literature in individuals affected with PITPNM3-related conditions. ClinVar contains an entry for this variant (Variation ID: 2868515). Invitae Evidence Modeling of protein sequence and biophysical properties (such as structural, functional, and spatial information, amino acid conservation, physicochemical variation, residue mobility, and thermodynamic stability) indicates that this missense variant is not expected to disrupt PITPNM3 protein function with a negative predictive value of 80%. In summary, the available evidence is currently insufficient to determine the role of this variant in disease. Therefore, it has been classified as a Variant of Uncertain Significance.